The following is an entry in ClinVar:

NM_152564.5(VPS13B):c.11461G>A (p.Asp3821Asn)

Gene: VPS13B (vacuolar protein sorting 13 homolog B; plus strand). Cytogenetic location: 8q22.2.
Variant type: single nucleotide variant.
Coding change: c.11461G>A on transcript NM_152564.5 (MANE Select); coding-DNA position 11461, G replaced by A.
Protein change: p.Asp3821Asn; replaces aspartic acid 3821 with asparagine.
Molecular consequence: missense variant.
Genome position (GRCh38, 1-based): chr8:99,870,853, G>A. VCF-style: chr8-99870853-G-A. GRCh37 (hg19) VCF-style: chr8-100883081-G-A.
Other names: c.11536G>A, p.Asp3846Asn (NM_017890.5); short protein forms D3821N, D3846N.
Identifiers: ClinVar variation 2183612 (VCV002183612.1), dbSNP rs2492368551, ClinGen allele CA371793682.

ClinVar aggregate classification (germline): Uncertain significance (1 of 4 stars; one submission).

Conditions:
Cohen syndrome (COH1). Also called: PEPPER SYNDROME; Cutis verticis gyrata, retinitis pigmentosa, and sensorineural deafness. Identifiers: Orphanet 193, MedGen C0265223, MONDO:0008999, OMIM 216550.

Allele frequency attached by ClinVar (database versions not stated): gnomAD exomes 0.00001.
gnomAD v4.1: 9 of 1,614,182 alleles (0.00056%); highest among the groups gnomAD compares: Non-Finnish European, 0.00076%; no homozygotes.

Submission:

Labcorp Genetics (formerly Invitae), Labcorp
Classification: Uncertain significance for Cohen syndrome. Last evaluated: 2022-03-23. Review status: criteria provided, single submitter. Criteria: Invitae Variant Classification Sherloc (09022015). Collection method: clinical testing. Allele origin: germline.
Comment: This sequence change replaces aspartic acid, which is acidic and polar, with asparagine, which is neutral and polar, at codon 3846 of the VPS13B protein (p.Asp3846Asn). This variant is not present in population databases (gnomAD no frequency). This variant has not been reported in the literature in individuals affected with VPS13B-related conditions. Algorithms developed to predict the effect of missense changes on protein structure and function are either unavailable or do not agree on the potential impact of this missense change (SIFT: "Not Available"; PolyPhen-2: "Possibly Damaging"; Align-GVGD: "Not Available"). In summary, the available evidence is currently insufficient to determine the role of this variant in disease. Therefore, it has been classified as a Variant of Uncertain Significance.